The following is an entry in ClinVar:

ClinVar aggregate classification (germline): Uncertain significance (1 of 4 stars; one submission).

gnomAD v4.1: 1 of 1,556,234 alleles (0.000064%); highest among the groups gnomAD compares: Admixed American, 0.0019%; no homozygotes.

Submission:

Labcorp Genetics (formerly Invitae), Labcorp
Classification: Uncertain significance. Last evaluated: 2025-11-28. Review status: criteria provided, single submitter. Criteria: Invitae Variant Classification Sherloc (09022015). Collection method: clinical testing. Allele origin: germline.
Comment: This sequence change replaces alanine, which is neutral and non-polar, with threonine, which is neutral and polar, at codon 152 of the WBP2 protein (p.Ala152Thr). This variant is not present in population databases (gnomAD no frequency). This variant has not been reported in the literature in individuals affected with WBP2-related conditions. Invitae Evidence Modeling of protein sequence and biophysical properties (such as structural, functional, and spatial information, amino acid conservation, physicochemical variation, residue mobility, and thermodynamic stability) indicates that this missense variant is not expected to disrupt WBP2 protein function with a negative predictive value of 80%. In summary, the available evidence is currently insufficient to determine the role of this variant in disease. Therefore, it has been classified as a Variant of Uncertain Significance.

NM_012478.4(WBP2):c.454G>A (p.Ala152Thr)

Gene: WBP2 (WW domain binding protein 2; minus strand). Cytogenetic location: 17q25.1.
Variant type: single nucleotide variant.
Coding change: c.454G>A on transcript NM_012478.4 (MANE Select); coding-DNA position 454, G replaced by A.
Protein change: p.Ala152Thr; replaces alanine 152 with threonine.
Molecular consequence: missense variant. On other transcripts: intron variant (1).
Genome position (GRCh38, 1-based): chr17:75,847,874, C>T on the plus strand (G>A on the coding strand, the complement: WBP2 is on the minus strand). VCF-style: chr17-75847874-C-T. GRCh37 (hg19) VCF-style: chr17-73843955-C-T.
Other names: c.454G>A, p.Ala152Thr (NM_001348170.1); c.398-265G>A (NM_001330499.2); short protein forms A152T.
Identifiers: ClinVar variation 4773924 (VCV004773924.1).